The following is an entry in ClinVar:

NM_004415.4(DSP):c.7886A>G (p.Glu2629Gly)

Gene: DSP (desmoplakin; plus strand). Cytogenetic location: 6p24.3.
Variant type: single nucleotide variant.
Coding change: c.7886A>G on transcript NM_004415.4 (MANE Select); coding-DNA position 7886, A replaced by G.
Protein change: p.Glu2629Gly; replaces glutamic acid 2629 with glycine.
Molecular consequence: missense variant.
Genome position (GRCh38, 1-based): chr6:7,585,148, A>G. VCF-style: chr6-7585148-A-G. GRCh37 (hg19) VCF-style: chr6-7585381-A-G.
Other names: c.6089A>G, p.Glu2030Gly (NM_001008844.3); c.6557A>G, p.Glu2186Gly (NM_001319034.2); short protein forms E2629G, E2186G, E2030G.
Identifiers: ClinVar variation 2946437 (VCV002946437.3), dbSNP rs2533948485, ClinGen allele CA362693990.
Genomic context (GRCh38, chr6:7,585,148, plus strand): 5'-TTTCAGACACCCTGGAAGAATCGAGCCCCATTGCAGCCATCTTTGACACAGAAAACCTGG[A>G]GAAAATCTCCATTACAGAAGGTATAGAGCGGGGCATCGTTGACAGCATCACGGGTCAGAG-3'
Protein context (NP_004406.2, residues 2619-2639): IAAIFDTENL[Glu2629Gly]KISITEGIER

ClinVar aggregate classification (germline): Uncertain significance (1 of 4 stars; one submission).

Conditions:
Arrhythmogenic cardiomyopathy with wooly hair and keratoderma. Also called: Dilated cardiomyopathy with woolly hair and keratoderma; PALMOPLANTAR KERATODERMA WITH LEFT VENTRICULAR CARDIOMYOPATHY AND WOOLLY HAIR; Carvajal syndrome; Arrhythmogenic cardiomyopathy with woolly hair and keratoderma. Identifiers: Orphanet 65282, MedGen C1854063, MONDO:0011581, OMIM 605676.
Arrhythmogenic right ventricular dysplasia 8 (ARVD8). Also called: Arrhythmogenic Right Ventricular Dysplasia/Cardiomyopathy 8; ARRHYTHMOGENIC RIGHT VENTRICULAR DYSPLASIA, FAMILIAL, 8; ARRHYTHMOGENIC RIGHT VENTRICULAR CARDIOMYOPATHY 8. Identifiers: MedGen C1843896, MONDO:0011831, OMIM 607450.

Submission:

Labcorp Genetics (formerly Invitae), Labcorp
Classification: Uncertain significance for Arrhythmogenic cardiomyopathy with wooly hair and keratoderma; Arrhythmogenic right ventricular dysplasia 8. Last evaluated: 2025-05-05. Review status: criteria provided, single submitter. Criteria: Invitae Variant Classification Sherloc (09022015). Collection method: clinical testing. Allele origin: germline.
Comment: This sequence change replaces glutamic acid, which is acidic and polar, with glycine, which is neutral and non-polar, at codon 2629 of the DSP protein (p.Glu2629Gly). This variant is not present in population databases (gnomAD no frequency). This variant has not been reported in the literature in individuals affected with DSP-related conditions. ClinVar contains an entry for this variant (Variation ID: 2946437). An algorithm developed to predict the effect of missense changes on protein structure and function (PolyPhen-2) suggests that this variant is likely to be disruptive. In summary, the available evidence is currently insufficient to determine the role of this variant in disease. Therefore, it has been classified as a Variant of Uncertain Significance.